The following is an entry in ClinVar:

ClinVar aggregate classification (germline): Uncertain significance (1 of 4 stars; one submission).

Conditions:
Congenital myasthenic syndrome 2A. Also called: Myasthenic syndrome, congenital, 2a, slow-channel. Identifiers: Orphanet 590, MedGen C4225374, MONDO:0014581, OMIM 616313.

Submission:

Labcorp Genetics (formerly Invitae), Labcorp
Classification: Uncertain significance for Congenital myasthenic syndrome 2A. Last evaluated: 2022-04-08. Review status: criteria provided, single submitter. Criteria: Invitae Variant Classification Sherloc (09022015). Collection method: clinical testing. Allele origin: germline.
Comment: This variant, c.1230_1244dup, results in the insertion of 5 amino acid(s) of the CHRNB1 protein (p.Glu410_Pro414dup), but otherwise preserves the integrity of the reading frame. This variant is not present in population databases (gnomAD no frequency). This variant has not been reported in the literature in individuals affected with CHRNB1-related conditions. Algorithms developed to predict the effect of sequence changes on RNA splicing suggest that this variant may disrupt the consensus splice site. In summary, the available evidence is currently insufficient to determine the role of this variant in disease. Therefore, it has been classified as a Variant of Uncertain Significance.

NM_000747.3(CHRNB1):c.1230_1244dup (p.Pro414_Asp415insGluLeuSerAlaPro)

Gene: CHRNB1 (cholinergic receptor nicotinic beta 1 subunit; plus strand). Cytogenetic location: 17p13.1.
Variant type: Duplication.
Coding change: c.1230_1244dup on transcript NM_000747.3 (MANE Select); coding-DNA positions 1230 to 1244, 15 bases duplicated (ACTGTCTGCCCCTGA).
Protein change: p.Pro414_Asp415insGluLeuSerAlaPro.
Molecular consequence: inframe insertion.
Genome position (GRCh38, 1-based): chr17:7,455,806-7,455,820, ACTGTCTGCCCCTGA duplicated; duplicating any 15 consecutive bases within chr17:7,455,801-7,455,820 gives the same sequence; the c. name uses the placement nearest the transcript's 3' end. VCF-style (leftmost placement, unchanged base first): chr17-7455800-G-GCCTGAACTGTCTGCC. GRCh37 (hg19) VCF-style: chr17-7359119-G-GCCTGAACTGTCTGCC.
Identifiers: ClinVar variation 2107756 (VCV002107756.4), dbSNP rs2507874167, ClinGen allele CA2580094970.